The following is an entry in ClinVar:

ClinVar aggregate classification (germline): Uncertain significance. Review status: criteria provided, multiple submitters, no conflicts (2 of 4 stars). 2 submissions from 2 submitters: Uncertain significance (2). Last evaluated 2024-02-17.

Conditions:
Congenital myasthenic syndrome 8. Also called: Myasthenic syndrome, congenital, 8, with pre- and postsynaptic defects; MYASTHENIC SYNDROME, CONGENITAL, DUE TO AGRIN DEFICIENCY. Identifiers: Orphanet 590, MedGen C3808739, MONDO:0014052, OMIM 615120.

Allele frequency attached by ClinVar (database versions not stated): gnomAD 0.00002 and 0.00003; gnomAD exomes 0.00003 and 0.00005; TOPMed 0.00003; ExAC 0.00005.
gnomAD v4.1: 47 of 1,609,768 alleles (0.0029%); highest among the groups gnomAD compares: South Asian, 0.034%; no homozygotes.

Submissions (2):

Labcorp Genetics (formerly Invitae), Labcorp
Classification: Uncertain significance for Congenital myasthenic syndrome 8. Last evaluated: 2024-02-17. Review status: criteria provided, single submitter. Criteria: Invitae Variant Classification Sherloc (09022015). Collection method: clinical testing. Allele origin: germline.
Comment: This sequence change replaces valine, which is neutral and non-polar, with isoleucine, which is neutral and non-polar, at codon 507 of the AGRN protein (p.Val507Ile). This variant is present in population databases (rs753019974, gnomAD 0.03%). This variant has not been reported in the literature in individuals affected with AGRN-related conditions. ClinVar contains an entry for this variant (Variation ID: 1007160). Algorithms developed to predict the effect of missense changes on protein structure and function output the following: SIFT: "Not Available"; PolyPhen-2: "Benign"; Align-GVGD: "Not Available". The isoleucine amino acid residue is found in multiple mammalian species, which suggests that this missense change does not adversely affect protein function. In summary, the available evidence is currently insufficient to determine the role of this variant in disease. Therefore, it has been classified as a Variant of Uncertain Significance.

Blueprint Genetics
Classification: Uncertain significance. Last evaluated: 2021-07-20. Review status: criteria provided, single submitter. Criteria: ACMG Guidelines, 2015. Collection method: clinical testing. Allele origin: germline.

NM_198576.4(AGRN):c.1519G>A (p.Val507Ile)

Gene: AGRN (agrin; plus strand). Cytogenetic location: 1p36.33.
Variant type: single nucleotide variant.
Coding change: c.1519G>A on transcript NM_198576.4 (MANE Select); coding-DNA position 1519, G replaced by A.
Protein change: p.Val507Ile; replaces valine 507 with isoleucine.
Molecular consequence: missense variant.
Genome position (GRCh38, 1-based): chr1:1,043,373, G>A. VCF-style: chr1-1043373-G-A. GRCh37 (hg19) VCF-style: chr1-978753-G-A.
Other names: c.1519G>A, p.Val507Ile (NM_001305275.2); c.1204G>A, p.Val402Ile (NM_001364727.2); short protein forms V402I, V507I.
Identifiers: ClinVar variation 1007160 (VCV001007160.6), dbSNP rs753019974, ClinGen allele CA508211.
Genomic context (GRCh38, chr1:1,043,373, plus strand): 5'-GCGTGTGAATGCCTGCAGGCGTGCTCGAGCCTCTACGATCCTGTGTGCGGCAGCGACGGC[G>A]TCACATACGGCAGCGCGTGCGAGCTGGAGGCCACGGCCTGTACCCTCGGGCGGGAGATCC-3'
Protein context (NP_940978.2, residues 497-517): LYDPVCGSDG[Val507Ile]TYGSACELEA